The following is an entry in ClinVar:

ClinVar aggregate classification (germline): Uncertain significance (1 of 4 stars; one submission).

gnomAD v4.1: 24 of 1,521,878 alleles (0.0016%); highest among the groups gnomAD compares: Non-Finnish European, 0.0021%; no homozygotes.

Submission:

Labcorp Genetics (formerly Invitae), Labcorp
Classification: Uncertain significance. Last evaluated: 2021-05-11. Review status: criteria provided, single submitter. Criteria: Invitae Variant Classification Sherloc (09022015). Collection method: clinical testing. Allele origin: germline.
Comment: This variant has not been reported in the literature in individuals with COL18A1-related conditions. This sequence change replaces serine with arginine at codon 582 of the COL18A1 protein (p.Ser582Arg). The serine residue is weakly conserved and there is a moderate physicochemical difference between serine and arginine. The frequency data for this variant in the population databases is considered unreliable, as metrics indicate insufficient coverage at this position in the ExAC database. Experimental studies and prediction algorithms are not available or were not evaluated, and the functional significance of this variant is currently unknown. In summary, the available evidence is currently insufficient to determine the role of this variant in disease. Therefore, it has been classified as a Variant of Uncertain Significance.

NM_001379500.1(COL18A1):c.1746C>A (p.Ser582Arg)

Gene: COL18A1 (collagen type XVIII alpha 1 chain; plus strand). Cytogenetic location: 21q22.3.
Variant type: single nucleotide variant.
Coding change: c.1746C>A on transcript NM_001379500.1 (MANE Select); coding-DNA position 1746, C replaced by A.
Protein change: p.Ser582Arg; replaces serine 582 with arginine.
Molecular consequence: missense variant.
Genome position (GRCh38, 1-based): chr21:45,486,905, C>A. VCF-style: chr21-45486905-C-A. GRCh37 (hg19) VCF-style: chr21-46906819-C-A.
Other names: c.2286C>A, p.Ser762Arg (NM_030582.4); c.2991C>A, p.Ser997Arg (NM_130444.3); short protein forms S582R, S997R, S762R.
Identifiers: ClinVar variation 1482485 (VCV001482485.5), dbSNP rs1037977541, ClinGen allele CA321918466.